The following is an entry in ClinVar:

ClinVar aggregate classification (germline): Uncertain significance (1 of 4 stars; one submission).

Conditions:
Dilated cardiomyopathy 1KK (CMD1KK). Identifiers: Orphanet 154, Orphanet 75249, MedGen C3714995, MONDO:0014100, OMIM 615248.

Allele frequency attached by ClinVar (database versions not stated): gnomAD exomes below 0.00001.
gnomAD v4.1: 8 of 1,614,136 alleles (0.0005%); highest among the groups gnomAD compares: Non-Finnish European, 0.00051%; no homozygotes.

Submission:

Labcorp Genetics (formerly Invitae), Labcorp
Classification: Uncertain significance for Dilated cardiomyopathy 1KK. Last evaluated: 2021-09-01. Review status: criteria provided, single submitter. Criteria: Invitae Variant Classification Sherloc (09022015). Collection method: clinical testing. Allele origin: germline.
Comment: This sequence change replaces serine with phenylalanine at codon 729 of the MYPN protein (p.Ser729Phe). The serine residue is weakly conserved and there is a large physicochemical difference between serine and phenylalanine. This variant is not present in population databases (ExAC no frequency). This variant has not been reported in the literature in individuals affected with MYPN-related conditions. Algorithms developed to predict the effect of missense changes on protein structure and function are either unavailable or do not agree on the potential impact of this missense change (SIFT: "Deleterious"; PolyPhen-2: "Benign"; Align-GVGD: "Class C15"). In summary, the available evidence is currently insufficient to determine the role of this variant in disease. Therefore, it has been classified as a Variant of Uncertain Significance.

NM_032578.4(MYPN):c.2186C>T (p.Ser729Phe)

Gene: MYPN (myopalladin; plus strand). Cytogenetic location: 10q21.3.
Variant type: single nucleotide variant.
Coding change: c.2186C>T on transcript NM_032578.4 (MANE Select); coding-DNA position 2186, C replaced by T.
Protein change: p.Ser729Phe; replaces serine 729 with phenylalanine.
Molecular consequence: missense variant. On other transcripts: non-coding transcript variant (2).
Genome position (GRCh38, 1-based): chr10:68,174,278, C>T. VCF-style: chr10-68174278-C-T. GRCh37 (hg19) VCF-style: chr10-69934035-C-T.
Other names: c.2186C>T, p.Ser729Phe (NM_001256267.2); c.1304C>T, p.Ser435Phe (NM_001256268.2); short protein forms S729F, S435F.
Identifiers: ClinVar variation 544028 (VCV000544028.7), dbSNP rs1210466686, ClinGen allele CA376845217.